The following is an entry in ClinVar:

ClinVar aggregate classification (germline): Likely benign (1 of 4 stars; one submission).

gnomAD v4.1: 36 of 1,610,502 alleles (0.0022%); highest among the groups gnomAD compares: Admixed American, 0.057%; no homozygotes.

Submission:

CeGaT Center for Human Genetics Tuebingen
Classification: Likely benign. Last evaluated: 2026-09-01. Review status: criteria provided, single submitter. Criteria: CeGaT Center For Human Genetics Tuebingen Variant Classification Criteria Version 2. Collection method: clinical testing. Allele origin: germline. Affected: yes. Observed: 1 variant allele.
Comment: TRIM71: BS2

NM_001039111.3(TRIM71):c.71C>T (p.Pro24Leu)

Gene: TRIM71 (tripartite motif containing 71; plus strand). Cytogenetic location: 3p22.3.
Variant type: single nucleotide variant.
Coding change: c.71C>T on transcript NM_001039111.3 (MANE Select); coding-DNA position 71, C replaced by T.
Protein change: p.Pro24Leu; replaces proline 24 with leucine.
Molecular consequence: missense variant.
Genome position (GRCh38, 1-based): chr3:32,818,151, C>T. VCF-style: chr3-32818151-C-T. GRCh37 (hg19) VCF-style: chr3-32859643-C-T.
Other names: short protein forms P24L.
Identifiers: ClinVar variation 5041419 (VCV005041419.1).